The following is an entry in ClinVar:

ClinVar aggregate classification (germline): Likely benign (1 of 4 stars; one submission).

Allele frequency attached by ClinVar (database versions not stated): gnomAD exomes 0.00001 and 0.00004; ExAC 0.00003; TOPMed 0.00012; gnomAD 0.00013; 1000 Genomes Project 30x 0.00016; 1000 Genomes Project 0.00020.

Submission:

GeneDx
Classification: Likely benign. Last evaluated: 2016-01-28. Review status: criteria provided, single submitter. Criteria: GeneDx Variant Classification (06012015). Collection method: clinical testing. Allele origin: germline. Affected: yes.
Comment: This variant is considered likely benign or benign based on one or more of the following criteria: it is a conservative change, it occurs at a poorly conserved position in the protein, it is predicted to be benign by multiple in silico algorithms, and/or has population frequency not consistent with disease.

NM_015971.4(MRPS7):c.508-4C>T

Gene: MRPS7 (mitochondrial ribosomal protein S7; plus strand). Cytogenetic location: 17q25.1.
Variant type: single nucleotide variant.
Coding change: c.508-4C>T on transcript NM_015971.4 (MANE Select); 4 bases into the intron before coding-DNA position 508, C replaced by T.
Molecular consequence: intron variant.
Genome position (GRCh38, 1-based): chr17:75,265,698, C>T. VCF-style: chr17-75265698-C-T. GRCh37 (hg19) VCF-style: chr17-73261779-C-T.
Identifiers: ClinVar variation 382075 (VCV000382075.1), dbSNP rs536455967, ClinGen allele CA8760426.
Genomic context (GRCh38, chr17:75,265,698, plus strand): 5'-AGGCAGGAGGCCCCAAACCCTGGCAGACTCTTGGACCAACTTGCCTATGTCCTGTCTCAC[C>T]CAGGTCCCTGTACCCCTACCCGACCGGCGTCGCCGCTTCCTAGCCATGAAGTGGATGATC-3'